The following is an entry in ClinVar:

ClinVar aggregate classification (germline): Uncertain significance (1 of 4 stars; one submission).

Conditions:
Long QT syndrome (LQTS). Identifiers: MedGen C0023976, MeSH D008133, MONDO:0002442. Disease mechanism: loss of function. Inheritance: Various modes of inheritance.

Allele frequency attached by ClinVar (database versions not stated): gnomAD exomes below 0.00001.
gnomAD v4.1: 1 of 1,592,254 alleles (0.000063%); highest among the groups gnomAD compares: Non-Finnish European, 0.000086%; no homozygotes.

Submission:

Labcorp Genetics (formerly Invitae), Labcorp
Classification: Uncertain significance for Long QT syndrome. Last evaluated: 2020-09-27. Review status: criteria provided, single submitter. Criteria: Invitae Variant Classification Sherloc (09022015). Collection method: clinical testing. Allele origin: germline.
Comment: In summary, the available evidence is currently insufficient to determine the role of this variant in disease. Therefore, it has been classified as a Variant of Uncertain Significance. Algorithms developed to predict the effect of missense changes on protein structure and function are either unavailable or do not agree on the potential impact of this missense change (SIFT: "Deleterious"; PolyPhen-2: "Possibly Damaging"; Align-GVGD: "Class C0"). This variant has not been reported in the literature in individuals with AKAP9-related conditions. This variant is not present in population databases (ExAC no frequency). This sequence change replaces glutamic acid with lysine at codon 1266 of the AKAP9 protein (p.Glu1266Lys). The glutamic acid residue is highly conserved and there is a small physicochemical difference between glutamic acid and lysine.

NM_005751.5(AKAP9):c.3796G>A (p.Glu1266Lys)

Gene: AKAP9 (A-kinase anchoring protein 9; plus strand). Cytogenetic location: 7q21.2.
Variant type: single nucleotide variant.
Coding change: c.3796G>A on transcript NM_005751.5 (MANE Select); coding-DNA position 3796, G replaced by A.
Protein change: p.Glu1266Lys; replaces glutamic acid 1266 with lysine.
Molecular consequence: missense variant.
Genome position (GRCh38, 1-based): chr7:92,017,061, G>A. VCF-style: chr7-92017061-G-A. GRCh37 (hg19) VCF-style: chr7-91646375-G-A.
Other names: c.3796G>A, p.Glu1266Lys (NM_147185.3); short protein forms E1266K.
Identifiers: ClinVar variation 1010320 (VCV001010320.8), dbSNP rs1801612687, ClinGen allele CA368127262.